The following is an entry in ClinVar:

ClinVar aggregate classification (germline): Uncertain significance (1 of 4 stars; one submission).

Conditions:
Ataxia-telangiectasia syndrome (AT). Also called: LOUIS-BAR SYNDROME; Cerebello-oculocutaneous telangiectasia; Immunodeficiency with ataxia telangiectasia; Ataxia telangiectasia (A-T); Ataxia-telangiectasia, complementation group D; AT, COMPLEMENTATION GROUP C. Identifiers: Orphanet 100, MedGen C0004135, MONDO:0008840, OMIM 208900.

Submission:

Labcorp Genetics (formerly Invitae), Labcorp
Classification: Uncertain significance for Ataxia-telangiectasia syndrome. Last evaluated: 2022-12-15. Review status: criteria provided, single submitter. Criteria: Invitae Variant Classification Sherloc (09022015). Collection method: clinical testing. Allele origin: germline.
Comment: In summary, the available evidence is currently insufficient to determine the role of this variant in disease. Therefore, it has been classified as a Variant of Uncertain Significance. Algorithms developed to predict the effect of missense changes on protein structure and function (SIFT, PolyPhen-2, Align-GVGD) all suggest that this variant is likely to be disruptive. This variant has not been reported in the literature in individuals affected with ATM-related conditions. This variant is not present in population databases (gnomAD no frequency). This sequence change replaces tyrosine, which is neutral and polar, with serine, which is neutral and polar, at codon 2170 of the ATM protein (p.Tyr2170Ser).

NM_000051.4(ATM):c.6509A>C (p.Tyr2170Ser)

Genes: ATM (ATM serine/threonine kinase; plus strand), C11orf65 (chromosome 11 open reading frame 65; minus strand). Cytogenetic location: 11q22.3.
Variant type: single nucleotide variant.
Coding change: c.6509A>C on transcript NM_000051.4 (MANE Select); coding-DNA position 6509, A replaced by C.
Protein change: p.Tyr2170Ser; replaces tyrosine 2170 with serine.
Molecular consequence: missense variant. On other transcripts: intron variant (2).
Genome position (GRCh38, 1-based): chr11:108,321,357, A>C. VCF-style: chr11-108321357-A-C. GRCh37 (hg19) VCF-style: chr11-108192084-A-C.
Other names: c.6509A>C, p.Tyr2170Ser (NM_001351834.2); c.641-12286T>G (NM_001330368.2); c.*39-12286T>G (NM_001351110.2); short protein forms Y2170S.
Identifiers: ClinVar variation 2820903 (VCV002820903.3), dbSNP rs1555117171, ClinGen allele CA382554113.